The following is an entry in ClinVar:

ClinVar aggregate classification (germline): Uncertain significance (1 of 4 stars; one submission).

Conditions:
Naxos disease (NXD). Also called: WOOLLY HAIR, PALMOPLANTAR KERATODERMA, AND CARDIAC ABNORMALITIES; CARDIOMYOPATHY, ARRHYTHMOGENIC RIGHT VENTRICULAR, WITH SKIN, HAIR, AND NAIL ABNORMALITIES; KERATOSIS PALMOPLANTARIS WITH ARRHYTHMOGENIC CARDIOMYOPATHY; MAL DE NAXOS; PALMOPLANTAR KERATODERMA WITH ARRHYTHMOGENIC RIGHT VENTRICULAR CARDIOMYOPATHY AND WOOLLY HAIR. Identifiers: Orphanet 34217, MedGen C1832600, MONDO:0011017, OMIM 601214.
Arrhythmogenic right ventricular dysplasia 12. Also called: ARRHYTHMOGENIC RIGHT VENTRICULAR DYSPLASIA, FAMILIAL, 12. Identifiers: MedGen C1969081, MONDO:0012684, OMIM 611528.

gnomAD v4.1: 2 of 1,613,936 alleles (0.00012%); highest among the groups gnomAD compares: Non-Finnish European, 0.00017%; no homozygotes.

Submission:

Labcorp Genetics (formerly Invitae), Labcorp
Classification: Uncertain significance for Arrhythmogenic right ventricular dysplasia 12; Naxos disease. Last evaluated: 2019-10-26. Review status: criteria provided, single submitter. Criteria: Invitae Variant Classification Sherloc (09022015). Collection method: clinical testing. Allele origin: germline.
Comment: In summary, the available evidence is currently insufficient to determine the role of this variant in disease. Therefore, it has been classified as a Variant of Uncertain Significance. Algorithms developed to predict the effect of missense changes on protein structure and function (SIFT, PolyPhen-2, Align-GVGD) all suggest that this variant is likely to be tolerated, but these predictions have not been confirmed by published functional studies and their clinical significance is uncertain. This variant has not been reported in the literature in individuals with JUP-related conditions. This variant is not present in population databases (ExAC no frequency). This sequence change replaces threonine with asparagine at codon 62 of the JUP protein (p.Thr62Asn). The threonine residue is moderately conserved and there is a small physicochemical difference between threonine and asparagine.

NM_002230.4(JUP):c.185C>A (p.Thr62Asn)

Gene: JUP (junction plakoglobin; minus strand). Cytogenetic location: 17q21.2.
Variant type: single nucleotide variant.
Coding change: c.185C>A on transcript NM_002230.4 (MANE Select); coding-DNA position 185, C replaced by A.
Protein change: p.Thr62Asn; replaces threonine 62 with asparagine.
Molecular consequence: missense variant.
Genome position (GRCh38, 1-based): chr17:41,771,670, G>T on the plus strand (C>A on the coding strand, the complement: JUP is on the minus strand). VCF-style: chr17-41771670-G-T. GRCh37 (hg19) VCF-style: chr17-39927922-G-T.
Other names: c.185C>A, p.Thr62Asn (NM_001352773.2, NM_001352774.2, NM_001352775.2 and 3 more transcripts); short protein forms T62N.
Identifiers: ClinVar variation 970335 (VCV000970335.9), dbSNP rs1555606943, ClinGen allele CA399506629.